The following is an entry in ClinVar:

ClinVar aggregate classification (germline): Conflicting classifications of pathogenicity. Review status: criteria provided, conflicting classifications (1 of 4 stars). 3 submissions from 3 submitters: Uncertain significance (2); Likely benign (1). Last evaluated 2025-12-13.

Conditions:
Familial thoracic aortic aneurysm and aortic dissection (TAAD). Also called: Thoracic aortic aneurysms and dissections. Identifiers: Orphanet 91387, MedGen C4707243, MONDO:0019625.
Rienhoff syndrome. Also called: LOEYS-DIETZ SYNDROME 5. Identifiers: MedGen C3810012, MONDO:0014262, OMIM 615582.

Allele frequency attached by ClinVar (database versions not stated): TOPMed 0.00003.
gnomAD v4.1: 32 of 1,609,382 alleles (0.002%); highest among the groups gnomAD compares: Non-Finnish European, 0.0026%; no homozygotes.

Submissions (3):

Labcorp Genetics (formerly Invitae), Labcorp
Classification: Uncertain significance for Rienhoff syndrome. Last evaluated: 2025-12-13. Review status: criteria provided, single submitter. Criteria: Invitae Variant Classification Sherloc (09022015). Collection method: clinical testing. Allele origin: germline.
Comment: This sequence change falls in intron 4 of the TGFB3 gene. It does not directly change the encoded amino acid sequence of the TGFB3 protein. It affects a nucleotide within the consensus splice site. This variant is not present in population databases (gnomAD no frequency). This variant has not been reported in the literature in individuals affected with TGFB3-related conditions. ClinVar contains an entry for this variant (Variation ID: 477641). Variants that disrupt the consensus splice site are a relatively common cause of aberrant splicing (PMID: 17576681, 9536098). Algorithms developed to predict the effect of sequence changes on RNA splicing suggest that this variant is not likely to affect RNA splicing. In summary, the available evidence is currently insufficient to determine the role of this variant in disease. Therefore, it has been classified as a Variant of Uncertain Significance.

Ambry Genetics
Classification: Uncertain significance for Familial thoracic aortic aneurysm and aortic dissection. Last evaluated: 2023-01-24. Review status: criteria provided, single submitter. Criteria: Ambry Variant Classification Scheme 2023. Collection method: clinical testing. Allele origin: germline.
Comment: The c.754+5C>T intronic variant results from a C to T substitution 5 nucleotides after coding exon 4 in the TGFB3 gene. This nucleotide position is not well conserved in available vertebrate species. In silico splice site analysis predicts that this alteration will not have any significant effect on splicing. Since supporting evidence is limited at this time, the clinical significance of this alteration remains unclear.

GeneDx
Classification: Likely benign. Last evaluated: 2018-10-19. Review status: criteria provided, single submitter. Criteria: GeneDx Variant Classification Process June 2021. Collection method: clinical testing. Allele origin: germline. Affected: yes.

Literature cited by the submitters: PubMed 17576681 (cited by Labcorp Genetics (formerly Invitae), Labcorp); PubMed 9536098 (cited by Labcorp Genetics (formerly Invitae), Labcorp).

NM_003239.5(TGFB3):c.754+5C>T

Gene: TGFB3 (transforming growth factor beta 3; minus strand). Cytogenetic location: 14q24.3.
Variant type: single nucleotide variant.
Coding change: c.754+5C>T on transcript NM_003239.5 (MANE Select); 5 bases into the intron after coding-DNA position 754, C replaced by T.
Molecular consequence: intron variant.
Genome position (GRCh38, 1-based): chr14:75,965,583, G>A on the plus strand (C>T on the coding strand, the complement: TGFB3 is on the minus strand). VCF-style: chr14-75965583-G-A. GRCh37 (hg19) VCF-style: chr14-76431926-G-A.
Other names: c.754+5C>T (NM_001329939.2, NM_001329938.2).
Identifiers: ClinVar variation 477641 (VCV000477641.17), dbSNP rs754211381, ClinGen allele CA658656430.
Genomic context (GRCh38, chr14:75,965,583, plus strand): 5'-CACTATCCTGTCCCATTAACTTCCCCCCCACTCACCCATCCTACCATACACATTCATTTT[G>A]TTACCTTTGAATTTGATTTCCATCACCTCGTGAATGTTTTCCAGGATATCTCCATTGGGC-3'